The following is an entry in ClinVar:

NM_000240.4(MAOA):c.1151A>C (p.Gln384Pro)

Gene: MAOA (monoamine oxidase A; plus strand). Cytogenetic location: Xp11.3.
Variant type: single nucleotide variant.
Coding change: c.1151A>C on transcript NM_000240.4 (MANE Select); coding-DNA position 1151, A replaced by C.
Protein change: p.Gln384Pro; replaces glutamine 384 with proline.
Molecular consequence: missense variant.
Genome position (GRCh38, 1-based): chrX:43,740,725, A>C. VCF-style: chrX-43740725-A-C. GRCh37 (hg19) VCF-style: chrX-43599972-A-C.
Other names: c.752A>C, p.Gln251Pro (NM_001270458.2); short protein forms Q251P, Q384P.
Identifiers: ClinVar variation 3765925 (VCV003765925.2).
Genomic context (GRCh38, chrX:43,740,725, plus strand): 5'-TGGCTCTGTTTTATAGGAAGAAGAAAATCTGTGAGCTCTATGCCAAAGTGCTGGGATCCC[A>C]AGAAGCTTTACATGTAAGAAACTCCCAGCTTTAATCCCTAGCAGGTTCTTCTCTGTTCAC-3'
Protein context (NP_000231.1, residues 374-394): CELYAKVLGS[Gln384Pro]EALHPVHYEE

ClinVar aggregate classification (germline): Uncertain significance (1 of 4 stars; one submission).

Submission:

GeneDx
Classification: Uncertain significance. Last evaluated: 2025-10-22. Review status: criteria provided, single submitter. Criteria: GeneDx Variant Classification Process June 2021. Collection method: clinical testing. Allele origin: germline.
Comment: Not observed at significant frequency in large population cohorts (gnomAD); In silico analysis suggests that this missense variant does not alter protein structure/function; Has not been previously published as pathogenic or benign to our knowledge